The following is an entry in ClinVar:

NM_144997.7(FLCN):c.380G>A (p.Arg127Gln)

Gene: FLCN (folliculin; minus strand). Cytogenetic location: 17p11.2.
Variant type: single nucleotide variant.
Coding change: c.380G>A on transcript NM_144997.7 (MANE Select); coding-DNA position 380, G replaced by A.
Protein change: p.Arg127Gln; replaces arginine 127 with glutamine.
Molecular consequence: missense variant.
Genome position (GRCh38, 1-based): chr17:17,226,192, C>T on the plus strand (G>A on the coding strand, the complement: FLCN is on the minus strand). VCF-style: chr17-17226192-C-T. GRCh37 (hg19) VCF-style: chr17-17129506-C-T.
Other names: c.380G>A (LRG_325t1); c.380G>A, p.Arg127Gln (NM_001353229.2, NM_001353230.2, NM_001353231.2 and 1 more transcripts); short protein forms R127Q.
Identifiers: ClinVar variation 581206 (VCV000581206.11), dbSNP rs1567822604, ClinGen allele CA398534708.

ClinVar aggregate classification (germline): Uncertain significance. Review status: criteria provided, multiple submitters, no conflicts (2 of 4 stars). 5 submissions from 5 submitters: Uncertain significance (5). Last evaluated 2026-01-16.

Conditions:
17p11.2 microduplication syndrome (PTLS). Also called: CHROMOSOME 17p11.2 DUPLICATION SYNDROME; Potocki-Lupski syndrome; Duplication 17p11.2 syndrome; Potocki-Lupski syndrome (dup(17)(p11.2p11.2)). Identifiers: Orphanet 1713, MedGen C2931246, MONDO:0012574, OMIM 610883.
Nonpapillary renal cell carcinoma. Identifiers: Orphanet 422526, MedGen CN074294, MONDO:0007763, OMIM 144700.
Birt-Hogg-Dube syndrome. Also called: Birt Hogg Dubé syndrome. Identifiers: Orphanet 122, MedGen C0346010, MONDO:0800444.
Colorectal cancer. Also called: Colorectal cancer, somatic; Malignant Colorectal Neoplasm. Identifiers: MedGen C0346629, MONDO:0005575, OMIM 114500.
Familial spontaneous pneumothorax (PSP). Identifiers: Orphanet 2903, MedGen C1868193, MONDO:0008259, OMIM 173600.
Hereditary cancer-predisposing syndrome. Also called: Hereditary neoplastic syndrome; Tumor predisposition; Hereditary Cancer Syndrome; Neoplastic Syndromes, Hereditary. Identifiers: Orphanet 140162, MedGen C0027672, MeSH D009386, MONDO:0015356.

Allele frequency attached by ClinVar (database versions not stated): gnomAD exomes below 0.00001.
gnomAD v4.1: 2 of 1,614,084 alleles (0.00012%); highest among the groups gnomAD compares: Non-Finnish European, 0.00017%; no homozygotes.

Submissions (5):

Labcorp Genetics (formerly Invitae), Labcorp
Classification: Uncertain significance for Birt-Hogg-Dube syndrome. Last evaluated: 2026-01-16. Review status: criteria provided, single submitter. Criteria: Invitae Variant Classification Sherloc (09022015). Collection method: clinical testing. Allele origin: germline.
Comment: This sequence change replaces arginine, which is basic and polar, with glutamine, which is neutral and polar, at codon 127 of the FLCN protein (p.Arg127Gln). This variant is not present in population databases (gnomAD no frequency). This variant has not been reported in the literature in individuals affected with FLCN-related conditions. ClinVar contains an entry for this variant (Variation ID: 581206). Invitae Evidence Modeling of protein sequence and biophysical properties (such as structural, functional, and spatial information, amino acid conservation, physicochemical variation, residue mobility, and thermodynamic stability) indicates that this missense variant is expected to disrupt FLCN protein function with a positive predictive value of 80%. In summary, the available evidence is currently insufficient to determine the role of this variant in disease. Therefore, it has been classified as a Variant of Uncertain Significance.

ARUP Laboratories, Molecular Genetics and Genomics, ARUP Laboratories
Classification: Uncertain significance. Last evaluated: 2025-03-13. Review status: criteria provided, single submitter. Criteria: ARUP Molecular Germline Variant Investigation Process 2024. Collection method: clinical testing. Allele origin: germline.
Comment: The FLCN c.380G>A; p.Arg127Gln variant (rs1567822604), to our knowledge, is not reported in the medical literature or gene specific databases. This variant is also absent from the Genome Aggregation Database (v2.1.1), indicating it is not a common polymorphism. Computational analyses predict that this variant is deleterious (REVEL: 0.906). However, given the lack of clinical and functional data, the significance of this variant is uncertain at this time.

Ambry Genetics
Classification: Uncertain significance for Hereditary cancer-predisposing syndrome. Last evaluated: 2023-10-10. Review status: criteria provided, single submitter. Criteria: Ambry Variant Classification Scheme 2023. Collection method: clinical testing. Allele origin: germline.
Comment: The p.R127Q variant (also known as c.380G>A), located in coding exon 2 of the FLCN gene, results from a G to A substitution at nucleotide position 380. The arginine at codon 127 is replaced by glutamine, an amino acid with highly similar properties. This amino acid position is highly conserved in available vertebrate species. In addition, this alteration is predicted to be deleterious by in silico analysis. Since supporting evidence is limited at this time, the clinical significance of this alteration remains unclear.

Fulgent Genetics
Classification: Uncertain significance for Colorectal cancer; Birt-Hogg-Dube syndrome 1; Nonpapillary renal cell carcinoma; Familial spontaneous pneumothorax; 17p11.2 microduplication syndrome. Last evaluated: 2022-05-19. Review status: criteria provided, single submitter. Criteria: ACMG Guidelines, 2015. Collection method: clinical testing. Allele origin: unknown.

GeneDx
Classification: Uncertain significance. Last evaluated: 2022-03-02. Review status: criteria provided, single submitter. Criteria: GeneDx Variant Classification Process June 2021. Collection method: clinical testing. Allele origin: germline. Affected: yes.
Comment: Not observed at significant frequency in large population cohorts (gnomAD); In silico analysis supports that this missense variant has a deleterious effect on protein structure/function; Has not been previously published as pathogenic or benign to our knowledge